The following is an entry in ClinVar:

NM_006767.4(LZTR1):c.17G>C (p.Ser6Thr)

Genes: LZTR1 (leucine zipper like post translational regulator 1; plus strand), LOC130067016 (ATAC-STARR-seq lymphoblastoid silent region 13504; plus strand). Cytogenetic location: 22q11.21.
Variant type: single nucleotide variant.
Coding change: c.17G>C on transcript NM_006767.4 (MANE Select); coding-DNA position 17, G replaced by C.
Protein change: p.Ser6Thr; replaces serine 6 with threonine.
Molecular consequence: missense variant.
Genome position (GRCh38, 1-based): chr22:20,982,388, G>C. VCF-style: chr22-20982388-G-C. GRCh37 (hg19) VCF-style: chr22-21336677-G-C.
Other names: short protein forms S6T.
Identifiers: ClinVar variation 2143922 (VCV002143922.4), dbSNP rs1169396415, ClinGen allele CA410777430.
Genomic context (GRCh38, chr22:20,982,388, plus strand): 5'-CGCAAGTTGGGCTTACAGCGCGGCCGATCCGGCGTGGACCCGGGATGGCTGGACCGGGCA[G>C]CACGGGGGGGCAGATCGGGGCTGCGGCCCTGGCAGGCGGCGCGCGGTCCAAGGTAGCCCC-3'
Protein context (NP_006758.2, residues 1-16): MAGPG[Ser6Thr]TGGQIGAAAL

ClinVar aggregate classification (germline): Uncertain significance (1 of 4 stars; one submission).

Submission:

Labcorp Genetics (formerly Invitae), Labcorp
Classification: Uncertain significance. Last evaluated: 2025-12-08. Review status: criteria provided, single submitter. Criteria: Invitae Variant Classification Sherloc (09022015). Collection method: clinical testing. Allele origin: germline.
Comment: This sequence change replaces serine, which is neutral and polar, with threonine, which is neutral and polar, at codon 6 of the LZTR1 protein (p.Ser6Thr). This variant is not present in population databases (gnomAD no frequency). This variant has not been reported in the literature in individuals affected with LZTR1-related conditions. ClinVar contains an entry for this variant (Variation ID: 2143922). Invitae Evidence Modeling of protein sequence and biophysical properties (such as structural, functional, and spatial information, amino acid conservation, physicochemical variation, residue mobility, and thermodynamic stability) indicates that this missense variant is not expected to disrupt LZTR1 protein function with a negative predictive value of 95%. In summary, the available evidence is currently insufficient to determine the role of this variant in disease. Therefore, it has been classified as a Variant of Uncertain Significance.